The following is an entry in ClinVar:

NM_000051.4(ATM):c.8575T>A (p.Ser2859Thr)

Genes: ATM (ATM serine/threonine kinase; plus strand), C11orf65 (chromosome 11 open reading frame 65; minus strand). Cytogenetic location: 11q22.3.
Variant type: single nucleotide variant.
Coding change: c.8575T>A on transcript NM_000051.4 (MANE Select); coding-DNA position 8575, T replaced by A.
Protein change: p.Ser2859Thr; replaces serine 2859 with threonine.
Molecular consequence: missense variant. On other transcripts: intron variant (2).
Genome position (GRCh38, 1-based): chr11:108,345,899, T>A. VCF-style: chr11-108345899-T-A. GRCh37 (hg19) VCF-style: chr11-108216626-T-A.
Other names: c.8575T>A, p.Ser2859Thr (NM_001351834.2); c.641-36828A>T (NM_001330368.2); c.695-10607A>T (NM_001351110.2); short protein forms S2859T.
Identifiers: ClinVar variation 952853 (VCV000952853.9), dbSNP rs2088308600, ClinGen allele CA382518733.

ClinVar aggregate classification (germline): Uncertain significance. Review status: criteria provided, multiple submitters, no conflicts (2 of 4 stars). 3 submissions from 3 submitters: Uncertain significance (3). Last evaluated 2026-05-15.

Conditions:
Hereditary cancer-predisposing syndrome. Also called: Tumor predisposition; Neoplastic Syndromes, Hereditary; Hereditary neoplastic syndrome; Hereditary Cancer Syndrome. Identifiers: Orphanet 140162, MedGen C0027672, MeSH D009386, MONDO:0015356.
Ataxia-telangiectasia syndrome (AT). Also called: Ataxia-telangiectasia, complementation group D; AT, COMPLEMENTATION GROUP C; ATAXIA-TELANGIECTASIA, COMPLEMENTATION GROUP A; ATAXIA-TELANGIECTASIA, FRESNO VARIANT; Ataxia-telangiectasia; Ataxia telangiectasia (A-T). Identifiers: Orphanet 100, MedGen C0004135, MONDO:0008840, OMIM 208900.

Allele frequency attached by ClinVar (database versions not stated): gnomAD exomes below 0.00001.
gnomAD v4.1: 4 of 1,613,674 alleles (0.00025%); highest among the groups gnomAD compares: South Asian, 0.0011%; no homozygotes.

Submissions (3):

Ambry Genetics
Classification: Uncertain significance for Hereditary cancer-predisposing syndrome. Last evaluated: 2026-05-15. Review status: criteria provided, single submitter. Criteria: Ambry Variant Classification Scheme 2023. Collection method: clinical testing. Allele origin: germline.
Comment: The p.S2859T variant (also known as c.8575T>A), located in coding exon 57 of the ATM gene, results from a T to A substitution at nucleotide position 8575. The serine at codon 2859 is replaced by threonine, an amino acid with similar properties. In an assay testing ATM function, this variant showed a functionally normal result (Lee KS et al. Cell, 2025 Sep;188:5081-5099.e27). This amino acid position is highly conserved in available vertebrate species. In addition, the in silico prediction for this alteration is inconclusive. Based on the available evidence, the clinical significance of this variant remains unclear.

Color Diagnostics, LLC DBA Color Health
Classification: Uncertain significance for Hereditary cancer-predisposing syndrome. Last evaluated: 2024-10-07. Review status: criteria provided, single submitter. Criteria: ACMG Guidelines, 2015. Collection method: clinical testing. Allele origin: germline.
Comment: This missense variant replaces serine with threonine at codon 2859 of the ATM protein. Computational prediction suggests that this variant may not impact protein structure and function. To our knowledge, functional studies have not been reported for this variant. This variant has been reported in an individual affected with prostate cancer (PMID: 31214711). This variant has not been identified in the general population by the Genome Aggregation Database (gnomAD). The available evidence is insufficient to determine the role of this variant in disease conclusively. Therefore, this variant is classified as a Variant of Uncertain Significance.

Labcorp Genetics (formerly Invitae), Labcorp
Classification: Uncertain significance for Ataxia-telangiectasia syndrome. Last evaluated: 2022-02-19. Review status: criteria provided, single submitter. Criteria: Invitae Variant Classification Sherloc (09022015). Collection method: clinical testing. Allele origin: germline.
Comment: This sequence change replaces serine, which is neutral and polar, with threonine, which is neutral and polar, at codon 2859 of the ATM protein (p.Ser2859Thr). This variant is not present in population databases (gnomAD no frequency). This variant has not been reported in the literature in individuals affected with ATM-related conditions. ClinVar contains an entry for this variant (Variation ID: 952853). Algorithms developed to predict the effect of missense changes on protein structure and function are either unavailable or do not agree on the potential impact of this missense change (SIFT: "Tolerated"; PolyPhen-2: "Possibly Damaging"; Align-GVGD: "Class C0"). In summary, the available evidence is currently insufficient to determine the role of this variant in disease. Therefore, it has been classified as a Variant of Uncertain Significance.

Literature cited by the submitters: PubMed 40580951 (cited by Ambry Genetics); PubMed 31214711 (cited by Color Diagnostics, LLC DBA Color Health).